The following is an entry in ClinVar:

ClinVar aggregate classification (germline): Uncertain significance (1 of 4 stars; one submission).

Submission:

GeneDx
Classification: Uncertain significance. Last evaluated: 2024-06-25. Review status: criteria provided, single submitter. Criteria: GeneDx Variant Classification Process June 2021. Collection method: clinical testing. Allele origin: germline. Affected: yes.
Comment: Not observed at significant frequency in large population cohorts (gnomAD); In silico analysis supports that this missense variant has a deleterious effect on protein structure/function; Has not been previously published as pathogenic or benign to our knowledge

NM_001039591.3(USP9X):c.346T>A (p.Cys116Ser)

Gene: USP9X (ubiquitin specific peptidase 9 X-linked; plus strand). Cytogenetic location: Xp11.4.
Variant type: single nucleotide variant.
Coding change: c.346T>A on transcript NM_001039591.3 (MANE Select); coding-DNA position 346, T replaced by A.
Protein change: p.Cys116Ser; replaces cysteine 116 with serine.
Molecular consequence: missense variant.
Genome position (GRCh38, 1-based): chrX:41,134,748, T>A. VCF-style: chrX-41134748-T-A. GRCh37 (hg19) VCF-style: chrX-40994001-T-A.
Other names: c.346T>A, p.Cys116Ser (NM_001039590.3, NM_001410748.1, NM_001410749.1); short protein forms C116S.
Identifiers: ClinVar variation 3572558 (VCV003572558.1).